The following is an entry in ClinVar:

NM_004793.4(LONP1):c.2083G>A (p.Val695Met)

Gene: LONP1 (lon peptidase 1, mitochondrial; minus strand). Cytogenetic location: 19p13.3.
Variant type: single nucleotide variant.
Coding change: c.2083G>A on transcript NM_004793.4 (MANE Select); coding-DNA position 2083, G replaced by A.
Protein change: p.Val695Met; replaces valine 695 with methionine.
Molecular consequence: missense variant. On other transcripts: non-coding transcript variant (1).
Genome position (GRCh38, 1-based): chr19:5,694,832, C>T on the plus strand (G>A on the coding strand, the complement: LONP1 is on the minus strand). VCF-style: chr19-5694832-C-T. GRCh37 (hg19) VCF-style: chr19-5694843-C-T.
Other names: c.1891G>A, p.Val631Met (NM_001276479.2); c.1495G>A, p.Val499Met (NM_001276480.1); short protein forms V631M, V695M, V499M.
Identifiers: ClinVar variation 1444820 (VCV001444820.12), dbSNP rs2054897250, ClinGen allele CA403528198.

ClinVar aggregate classification (germline): Uncertain significance. Review status: criteria provided, multiple submitters, no conflicts (2 of 4 stars). 3 submissions from 3 submitters: Uncertain significance (3). Last evaluated 2025-09-26.

Conditions:
CODAS syndrome. Also called: CEREBRAL, OCULAR, DENTAL, AURICULAR, AND SKELETAL ANOMALIES SYNDROME. Identifiers: Orphanet 1458, MedGen C1838180, MONDO:0010879, OMIM 600373.

gnomAD v4.1: 8 of 1,602,986 alleles (0.0005%); highest among the groups gnomAD compares: East Asian, 0.0022%; no homozygotes.

Submissions (3):

GeneDx
Classification: Uncertain significance. Last evaluated: 2025-09-26. Review status: criteria provided, single submitter. Criteria: GeneDx Variant Classification Process June 2021. Collection method: clinical testing. Allele origin: germline. Affected: yes.
Comment: Not observed at significant frequency in large population cohorts (gnomAD); In silico analysis suggests that this missense variant does not alter protein structure/function; Has not been previously published as pathogenic or benign to our knowledge

3billion
Classification: Uncertain significance for CODAS syndrome. Last evaluated: 2024-08-06. Review status: criteria provided, single submitter. Criteria: ACMG Guidelines, 2015. Collection method: clinical testing. Allele origin: germline. Affected: yes.
Comment: The variant is observed at an extremely low frequency in the gnomAD v4.0.0 dataset (total allele frequency: <0.001%). Predicted Consequence/Location: Missense variant Damaging effect on gene or gene product predicted by in silico programs is uncertain [REVEL: 0.17 (damaging >=0.6, benign <0.4), 3Cnet: 0.20 (damaging >=0.6, benign <0.15)]. The variant has been reported as of uncertain significance (ClinVar ID: VCV001444820). Therefore, this variant is classified as VUS according to the recommendation of ACMG/AMP guideline.

Labcorp Genetics (formerly Invitae), Labcorp
Classification: Uncertain significance. Last evaluated: 2022-10-24. Review status: criteria provided, single submitter. Criteria: Invitae Variant Classification Sherloc (09022015). Collection method: clinical testing. Allele origin: germline.
Comment: This sequence change replaces valine, which is neutral and non-polar, with methionine, which is neutral and non-polar, at codon 695 of the LONP1 protein (p.Val695Met). This variant is not present in population databases (gnomAD no frequency). This variant has not been reported in the literature in individuals affected with LONP1-related conditions. ClinVar contains an entry for this variant (Variation ID: 1444820). Advanced modeling of protein sequence and biophysical properties (such as structural, functional, and spatial information, amino acid conservation, physicochemical variation, residue mobility, and thermodynamic stability) performed at Invitae indicates that this missense variant is not expected to disrupt LONP1 protein function. In summary, the available evidence is currently insufficient to determine the role of this variant in disease. Therefore, it has been classified as a Variant of Uncertain Significance.